The following is an entry in ClinVar:

NM_022051.3(EGLN1):c.436A>C (p.Lys146Gln)

Gene: EGLN1 (egl-9 family hypoxia inducible factor 1; minus strand). Cytogenetic location: 1q42.2.
Variant type: single nucleotide variant.
Coding change: c.436A>C on transcript NM_022051.3 (MANE Select); coding-DNA position 436, A replaced by C.
Protein change: p.Lys146Gln; replaces lysine 146 with glutamine.
Molecular consequence: missense variant.
Genome position (GRCh38, 1-based): chr1:231,421,453, T>G on the plus strand (A>C on the coding strand, the complement: EGLN1 is on the minus strand). VCF-style: chr1-231421453-T-G. GRCh37 (hg19) VCF-style: chr1-231557199-T-G.
Other names: c.436A>C (NM_022051.2); c.436A>C, p.Lys146Gln (NM_001377260.1, NM_001377261.1); short protein forms K146Q.
Identifiers: ClinVar variation 1987472 (VCV001987472.6), dbSNP rs2527360102, ClinGen allele CA345237036.

ClinVar aggregate classification (germline): Conflicting classifications of pathogenicity. Review status: criteria provided, conflicting classifications (1 of 4 stars). 2 submissions from 2 submitters: Uncertain significance (1); Likely benign (1). Last evaluated 2025-04-11.

Conditions:
Erythrocytosis, familial, 3 (ECYT3). Identifiers: Orphanet 247511, MedGen C1853286, MONDO:0012353, OMIM 609820.

Allele frequency attached by ClinVar (database versions not stated): gnomAD exomes below 0.00001.
gnomAD v4.1: 1 of 1,487,978 alleles (0.000067%); highest among the groups gnomAD compares: Admixed American, 0.0024%; no homozygotes.

Submissions (2):

Ambry Genetics
Classification: Likely benign. Last evaluated: 2025-04-11. Review status: criteria provided, single submitter. Criteria: Ambry Variant Classification Scheme 2023. Collection method: clinical testing. Allele origin: germline.

Labcorp Genetics (formerly Invitae), Labcorp
Classification: Uncertain significance for Erythrocytosis, familial, 3. Last evaluated: 2022-03-26. Review status: criteria provided, single submitter. Criteria: Invitae Variant Classification Sherloc (09022015). Collection method: clinical testing. Allele origin: germline.
Comment: In summary, the available evidence is currently insufficient to determine the role of this variant in disease. Therefore, it has been classified as a Variant of Uncertain Significance. Algorithms developed to predict the effect of missense changes on protein structure and function (SIFT, PolyPhen-2, Align-GVGD) all suggest that this variant is likely to be tolerated. This variant has not been reported in the literature in individuals affected with EGLN1-related conditions. This variant is not present in population databases (gnomAD no frequency). This sequence change replaces lysine, which is basic and polar, with glutamine, which is neutral and polar, at codon 146 of the EGLN1 protein (p.Lys146Gln).